The following is an entry in ClinVar:

NM_004130.4(GYG1):c.609-19A>G

Gene: GYG1 (glycogenin 1; plus strand). Cytogenetic location: 3q24.
Variant type: single nucleotide variant.
Coding change: c.609-19A>G on transcript NM_004130.4 (MANE Select); 19 bases into the intron before coding-DNA position 609, A replaced by G.
Molecular consequence: intron variant.
Genome position (GRCh38, 1-based): chr3:149,024,034, A>G. VCF-style: chr3-149024034-A-G. GRCh37 (hg19) VCF-style: chr3-148741821-A-G.
Other names: c.609-19A>G (NM_001184720.2); c.609-2726A>G (NM_001184721.2).
Identifiers: ClinVar variation 1383084 (VCV001383084.3), dbSNP rs748162789, ClinGen allele CA2658617.

ClinVar aggregate classification (germline): Uncertain significance (1 of 4 stars; one submission).

Conditions:
Polyglucosan body myopathy type 2. Identifiers: Orphanet 456369, MedGen C4015452, MONDO:0014526, OMIM 616199.
Glycogen storage disease XV (GSD15). Also called: GLYCOGENIN DEFICIENCY; GSD XV. Identifiers: Orphanet 263297, MedGen C3150754, MONDO:0013291, OMIM 613507.

Allele frequency attached by ClinVar (database versions not stated): gnomAD 0.00001; TOPMed 0.00002; ExAC 0.00003; gnomAD exomes 0.00003 and 0.00006.
gnomAD v4.1: 82 of 1,581,496 alleles (0.0052%); highest among the groups gnomAD compares: Non-Finnish European, 0.007%; no homozygotes.

Submission:

Labcorp Genetics (formerly Invitae), Labcorp
Classification: Uncertain significance for Polyglucosan body myopathy type 2; Glycogen storage disease XV. Last evaluated: 2022-06-20. Review status: criteria provided, single submitter. Criteria: Invitae Variant Classification Sherloc (09022015). Collection method: clinical testing. Allele origin: germline.
Comment: This sequence change falls in intron 5 of the GYG1 gene. It does not directly change the encoded amino acid sequence of the GYG1 protein. This variant is present in population databases (rs748162789, gnomAD 0.007%). This variant has not been reported in the literature in individuals affected with GYG1-related conditions. Algorithms developed to predict the effect of sequence changes on RNA splicing suggest that this variant may create or strengthen a splice site. In summary, the available evidence is currently insufficient to determine the role of this variant in disease. Therefore, it has been classified as a Variant of Uncertain Significance.